The following is an entry in ClinVar:

ClinVar aggregate classification (germline): Benign. Review status: criteria provided, single submitter (1 of 4 stars). 2 submissions from 2 submitters: Benign (1). 1 of the submissions does not count toward it. Last evaluated 2025-10-01.

Conditions:
SRA1-related disorder. Also called: SRA1-related condition.

Allele frequency attached by ClinVar (database versions not stated): gnomAD exomes 0.00080 and 0.00212; ExAC 0.00269; 1000 Genomes Project 0.00839; gnomAD 0.00880 and 0.00937; ESP Exome Variant Server 0.00924; 1000 Genomes Project 30x 0.00937; TOPMed 0.00979.

Submissions (2):

Labcorp Genetics (formerly Invitae), Labcorp
Classification: Benign. Last evaluated: 2025-10-01. Review status: criteria provided, single submitter. Criteria: Invitae Variant Classification Sherloc (09022015). Collection method: clinical testing. Allele origin: germline.

PreventionGenetics, part of Exact Sciences
Classification: Benign for SRA1-related condition. Last evaluated: 2019-06-04. Review status: no assertion criteria provided. Collection method: clinical testing. Allele origin: germline. Not counted in ClinVar's aggregate classification.
Comment: This variant is classified as benign based on ACMG/AMP sequence variant interpretation guidelines (Richards et al. 2015 PMID: 25741868, with internal and published modifications).

NM_001035235.4(SRA1):c.48C>T (p.Asn16=)

Gene: SRA1 (steroid receptor RNA activator 1; minus strand). Cytogenetic location: 5q31.3.
Variant type: single nucleotide variant.
Coding change: c.48C>T on transcript NM_001035235.4 (MANE Select); coding-DNA position 48, C replaced by T.
Protein change: p.Asn16=; no amino-acid change (asparagine 16 retained).
Molecular consequence: synonymous variant. On other transcripts: missense variant (1), non-coding transcript variant (2).
Genome position (GRCh38, 1-based): chr5:140,557,250, G>A on the plus strand (C>T on the coding strand, the complement: SRA1 is on the minus strand). VCF-style: chr5-140557250-G-A. GRCh37 (hg19) VCF-style: chr5-139936835-G-A.
Other names: c.203C>T, p.Thr68Met (NM_001253764.2); c.203C>T (NM_001253764.1); short protein forms T68M.
Identifiers: ClinVar variation 785143 (VCV000785143.12), dbSNP rs34009206, ClinGen allele CA3440744.